The following is an entry in ClinVar:

NM_005269.3(GLI1):c.1013G>T (p.Cys338Phe)

Gene: GLI1 (GLI family zinc finger 1; plus strand). Cytogenetic location: 12q13.3.
Variant type: single nucleotide variant.
Coding change: c.1013G>T on transcript NM_005269.3 (MANE Select); coding-DNA position 1013, G replaced by T.
Protein change: p.Cys338Phe; replaces cysteine 338 with phenylalanine.
Molecular consequence: missense variant.
Genome position (GRCh38, 1-based): chr12:57,467,433, G>T. VCF-style: chr12-57467433-G-T. GRCh37 (hg19) VCF-style: chr12-57861216-G-T.
Other names: p.(C338F); c.629G>T, p.Cys210Phe (NM_001160045.2); c.890G>T, p.Cys297Phe (NM_001167609.2); short protein forms C210F, C297F, C338F.
Identifiers: ClinVar variation 3390852 (VCV003390852.2).

ClinVar aggregate classification (germline): Pathogenic (1 of 4 stars; one submission).

Conditions:
Polydactyly, postaxial, type A8. Identifiers: MedGen C4748277, MONDO:0029130, OMIM 618123.

Submission:

Human Molecular Lab, Hazara University
Classification: Pathogenic for Polydactyly, postaxial, type A8. Last evaluated: 2024-12-01. Review status: criteria provided, single submitter. Criteria: ACMG Guidelines, 2015. Collection method: research. Allele origin: germline. Inheritance: Autosomal dominant inheritance. Affected: yes. Observed: 2 heterozygotes. Clinical features observed: Postaxial polydactyly (HP:0100259).
Comment: Based on the segregation study of single Pakistani family with three individuals affected with polydactyly. The identified variant (c.1013G>T; p.C338F) was present in heterozygous state in all the three affected individuals of the family and was absent from the healthy family members and controls.